The following is an entry in ClinVar:

NM_001206927.2(DNAH8):c.13249A>G (p.Thr4417Ala)

Gene: DNAH8 (dynein axonemal heavy chain 8; plus strand). Cytogenetic location: 6p21.2.
Variant type: single nucleotide variant.
Coding change: c.13249A>G on transcript NM_001206927.2 (MANE Select); coding-DNA position 13249, A replaced by G.
Protein change: p.Thr4417Ala; replaces threonine 4417 with alanine.
Molecular consequence: missense variant.
Genome position (GRCh38, 1-based): chr6:39,008,848, A>G. VCF-style: chr6-39008848-A-G. GRCh37 (hg19) VCF-style: chr6-38976624-A-G.
Other names: c.12598A>G, p.Thr4200Ala (NM_001371.4); short protein forms T4200A, T4417A.
Identifiers: ClinVar variation 4749462 (VCV004749462.1).

ClinVar aggregate classification (germline): Uncertain significance (1 of 4 stars; one submission).

Conditions:
Primary ciliary dyskinesia. Also called: Ciliary dyskinesia. Identifiers: Orphanet 244, MedGen C0008780, MONDO:0016575, HP:0012265.

gnomAD v4.1: 2 of 1,608,408 alleles (0.00012%); highest among the groups gnomAD compares: African/African-American, 0.0027%; no homozygotes.

Submission:

Labcorp Genetics (formerly Invitae), Labcorp
Classification: Uncertain significance for Primary ciliary dyskinesia. Last evaluated: 2025-04-24. Review status: criteria provided, single submitter. Criteria: Invitae Variant Classification Sherloc (09022015). Collection method: clinical testing. Allele origin: germline.
Comment: This sequence change replaces threonine, which is neutral and polar, with alanine, which is neutral and non-polar, at codon 4417 of the DNAH8 protein (p.Thr4417Ala). This variant is present in population databases (rs764444093, gnomAD 0.007%). This variant has not been reported in the literature in individuals affected with DNAH8-related conditions. Invitae Evidence Modeling of protein sequence and biophysical properties (such as structural, functional, and spatial information, amino acid conservation, physicochemical variation, residue mobility, and thermodynamic stability) indicates that this missense variant is not expected to disrupt DNAH8 protein function with a negative predictive value of 80%. In summary, the available evidence is currently insufficient to determine the role of this variant in disease. Therefore, it has been classified as a Variant of Uncertain Significance.